The following is an entry in ClinVar:

ClinVar aggregate classification (germline): Uncertain significance. Review status: criteria provided, multiple submitters, no conflicts (2 of 4 stars). 2 submissions from 2 submitters: Uncertain significance (2). Last evaluated 2025-02-06.

Conditions:
MYO15A-related disorder. Also called: MYO15A-related condition.
Autosomal recessive nonsyndromic hearing loss 3. Also called: NEUROSENSORY NONSYNDROMIC RECESSIVE DEAFNESS 3. Identifiers: Orphanet 90636, MedGen C1838263, MONDO:0010860, OMIM 600316.

Allele frequency attached by ClinVar (database versions not stated): gnomAD 0.00002 and 0.00003; TOPMed 0.00002; ExAC 0.00007; 1000 Genomes Project 30x 0.00016; 1000 Genomes Project 0.00020.
gnomAD v4.1: 35 of 1,613,438 alleles (0.0022%); highest among the groups gnomAD compares: East Asian, 0.04%; no homozygotes.

Submissions (2):

PreventionGenetics, part of Exact Sciences
Classification: Uncertain significance for MYO15A-related condition. Last evaluated: 2025-02-06. Review status: criteria provided, single submitter. Criteria: ACMG Guidelines, 2015. Collection method: clinical testing. Allele origin: germline.
Comment: The MYO15A c.8431G>A variant is predicted to result in the amino acid substitution p.Gly2811Arg. To our knowledge, this variant has not been reported in the literature. This variant is reported in 0.036% of alleles in individuals of East Asian descent in gnomAD. At this time, the clinical significance of this variant is uncertain due to the absence of conclusive functional and genetic evidence.

Illumina Laboratory Services, Illumina
Classification: Uncertain significance for Autosomal recessive nonsyndromic hearing loss 3. Last evaluated: 2018-01-12. Review status: criteria provided, single submitter. Criteria: ICSL Variant Classification Criteria 13 December 2019. Collection method: clinical testing. Allele origin: germline.

NM_016239.4(MYO15A):c.8431G>A (p.Gly2811Arg)

Gene: MYO15A (myosin XVA; plus strand). Cytogenetic location: 17p11.2.
Variant type: single nucleotide variant.
Coding change: c.8431G>A on transcript NM_016239.4 (MANE Select); coding-DNA position 8431, G replaced by A.
Protein change: p.Gly2811Arg; replaces glycine 2811 with arginine.
Molecular consequence: missense variant.
Genome position (GRCh38, 1-based): chr17:18,155,404, G>A. VCF-style: chr17-18155404-G-A. GRCh37 (hg19) VCF-style: chr17-18058718-G-A.
Other names: short protein forms G2811R.
Identifiers: ClinVar variation 322171 (VCV000322171.6), dbSNP rs181229675, ClinGen allele CA8425160.